The following is an entry in ClinVar:

NM_000264.5(PTCH1):c.69C>T (p.Ala23=)

Genes: PTCH1 (patched 1; minus strand), LOC130002133 (ATAC-STARR-seq lymphoblastoid silent region 20071; plus strand). Cytogenetic location: 9q22.32.
Variant type: single nucleotide variant.
Coding change: c.69C>T on transcript NM_000264.5 (MANE Select); coding-DNA position 69, C replaced by T.
Protein change: p.Ala23=; no amino-acid change (alanine 23 retained).
Molecular consequence: synonymous variant. On other transcripts: non-coding transcript variant (1), intron variant (3).
Genome position (GRCh38, 1-based): chr9:95,508,293, G>A on the plus strand (C>T on the coding strand, the complement: PTCH1 is on the minus strand). VCF-style: chr9-95508293-G-A. GRCh37 (hg19) VCF-style: chr9-98270575-G-A.
Other names: c.69C>T, p.Ala23= (NM_001354918.2); c.199-1694C>T (NM_001083603.3); c.4-1694C>T (NM_001083602.3, NM_001354919.2); c.69C>T (NM_000264.4).
Identifiers: ClinVar variation 701710 (VCV000701710.17), dbSNP rs753155080, ClinGen allele CA5139060.

ClinVar aggregate classification (germline): Likely benign. Review status: criteria provided, multiple submitters, no conflicts (2 of 4 stars). 4 submissions from 4 submitters: Likely benign (3). 1 of the submissions does not count toward it. Last evaluated 2025-08-17.

Conditions:
PTCH1-related disorder. Also called: PTCH1-related disorders; PTCH1-related condition.
Gorlin syndrome. Also called: Nevoid Basal Cell Carcinoma Syndrome; Basal cell nevus syndrome. Identifiers: Orphanet 377, MedGen C0004779, MONDO:0007187.
Hereditary cancer-predisposing syndrome. Also called: Tumor predisposition; Hereditary neoplastic syndrome; Hereditary Cancer Syndrome; Neoplastic Syndromes, Hereditary. Identifiers: Orphanet 140162, MedGen C0027672, MeSH D009386, MONDO:0015356.

Allele frequency attached by ClinVar (database versions not stated): gnomAD exomes 0.00001 and 0.00003; TOPMed 0.00002; ExAC 0.00004.
gnomAD v4.1: 5 of 1,525,846 alleles (0.00033%); highest among the groups gnomAD compares: Admixed American, 0.006%; no homozygotes.

Submissions (4):

Labcorp Genetics (formerly Invitae), Labcorp
Classification: Likely benign for Gorlin syndrome. Last evaluated: 2025-08-17. Review status: criteria provided, single submitter. Criteria: Invitae Variant Classification Sherloc (09022015). Collection method: clinical testing. Allele origin: germline.

Quest Diagnostics Nichols Institute San Juan Capistrano
Classification: Likely benign. Last evaluated: 2025-06-30. Review status: criteria provided, single submitter. Criteria: Quest Diagnostics criteria. Collection method: clinical testing. Allele origin: unknown.

Ambry Genetics
Classification: Likely benign for Hereditary cancer-predisposing syndrome. Last evaluated: 2020-05-29. Review status: criteria provided, single submitter. Criteria: Ambry Variant Classification Scheme 2023. Collection method: clinical testing. Allele origin: germline.

PreventionGenetics, part of Exact Sciences
Classification: Likely benign for PTCH1-related condition. Last evaluated: 2023-01-05. Review status: no assertion criteria provided. Collection method: clinical testing. Allele origin: germline. Not counted in ClinVar's aggregate classification.
Comment: This variant is classified as likely benign based on ACMG/AMP sequence variant interpretation guidelines (Richards et al. 2015 PMID: 25741868, with internal and published modifications).